The following is an entry in ClinVar:

NM_005477.3(HCN4):c.196G>A (p.Glu66Lys)

Gene: HCN4 (hyperpolarization activated cyclic nucleotide gated potassium channel 4; minus strand). Cytogenetic location: 15q24.1.
Variant type: single nucleotide variant.
Coding change: c.196G>A on transcript NM_005477.3 (MANE Select); coding-DNA position 196, G replaced by A.
Protein change: p.Glu66Lys; replaces glutamic acid 66 with lysine.
Molecular consequence: missense variant.
Genome position (GRCh38, 1-based): chr15:73,368,075, C>T on the plus strand (G>A on the coding strand, the complement: HCN4 is on the minus strand). VCF-style: chr15-73368075-C-T. GRCh37 (hg19) VCF-style: chr15-73660416-C-T.
Other names: p.E66K:GAG>AAG; short protein forms E66K.
Identifiers: ClinVar variation 190778 (VCV000190778.8), dbSNP rs786205803, ClinGen allele CA301956.

ClinVar aggregate classification (germline): Uncertain significance. Review status: criteria provided, multiple submitters, no conflicts (2 of 4 stars). 2 submissions from 2 submitters: Uncertain significance (2). Last evaluated 2023-10-22.

Conditions:
Brugada syndrome 8 (BRGDA8). Identifiers: Orphanet 130, MedGen C2751083, MONDO:0013148, OMIM 613123.

Allele frequency attached by ClinVar (database versions not stated): TOPMed 0.00001.

Submissions (2):

Labcorp Genetics (formerly Invitae), Labcorp
Classification: Uncertain significance for Brugada syndrome 8. Last evaluated: 2023-10-22. Review status: criteria provided, single submitter. Criteria: Invitae Variant Classification Sherloc (09022015). Collection method: clinical testing. Allele origin: germline.
Comment: This sequence change replaces glutamic acid, which is acidic and polar, with lysine, which is basic and polar, at codon 66 of the HCN4 protein (p.Glu66Lys). This variant is not present in population databases (gnomAD no frequency). This variant has not been reported in the literature in individuals affected with HCN4-related conditions. ClinVar contains an entry for this variant (Variation ID: 190778). Advanced modeling of protein sequence and biophysical properties (such as structural, functional, and spatial information, amino acid conservation, physicochemical variation, residue mobility, and thermodynamic stability) performed at Invitae indicates that this missense variant is not expected to disrupt HCN4 protein function. In summary, the available evidence is currently insufficient to determine the role of this variant in disease. Therefore, it has been classified as a Variant of Uncertain Significance.

GeneDx
Classification: Uncertain significance. Last evaluated: 2014-04-15. Review status: criteria provided, single submitter. Criteria: GeneDx Variant Classification (06012015). Collection method: clinical testing. Allele origin: germline. Affected: yes.
Comment: p.Glu66Lys (GAG>AAG): c.196G>A in exon 1 of the HCN4 gene (NM_005477.2). The E66K variant has not been published as a mutation or as a benign polymorphism to our knowledge. The E66K variant was not observed in approximately 2,500 individuals of European and African American ancestry in the NHLBI Exome Sequencing Project, indicating it is not a common benign variant in these populations. Additionally, the E66K variant is a non-conservative amino acid substitution, which is likely to impact secondary protein structure as these residues differ in polarity, charge, size and/or other properties. However, this substitution occurs at a position that is not conserved across species. Furthermore, in silico analysis predicts this variant likely does not alter the protein structure/function. No missense mutations in nearby residues have been reported in association with arrhythmia.Therefore, based on the currently available information, it is unclear whether this variant is a pathogenic mutation or a rare benign variant. The variant is found in ARRHYTHMIA panel(s).